The following is an entry in ClinVar:

ClinVar aggregate classification (germline): Uncertain significance. Review status: criteria provided, multiple submitters, no conflicts (2 of 4 stars). 4 submissions from 4 submitters: Uncertain significance (4). Last evaluated 2025-03-30.

Conditions:
RYR1-related disorder. Also called: RYR1-related condition; RYR1-related disorders. Identifiers: MedGen CN239331.
Inborn genetic diseases. Identifiers: MedGen C0950123, MeSH D030342.
Malignant hyperthermia, susceptibility to, 1 (MHS1). Also called: Anesthesia related hyperthermia; Malignant hyperpyrexia; Fulminating hyperpyrexia; Pharmacogenic myopathy; RYR1-Related Malignant Hyperthermia Susceptibility; Malignant hyperthermia suceptibility 1. Identifiers: Orphanet 423, MedGen C2930980, MONDO:0007783, OMIM 145600.

Allele frequency attached by ClinVar (database versions not stated): gnomAD exomes below 0.00001; gnomAD 0.00001.
gnomAD v4.1: 4 of 1,559,046 alleles (0.00026%); highest among the groups gnomAD compares: Admixed American, 0.0019%; no homozygotes.

Submissions (4):

Ambry Genetics
Classification: Uncertain significance for Inborn genetic diseases. Last evaluated: 2025-03-30. Review status: criteria provided, single submitter. Criteria: Ambry Variant Classification Scheme 2023. Collection method: clinical testing. Allele origin: germline.

All of Us Research Program, National Institutes of Health
Classification: Uncertain significance for Malignant hyperthermia, susceptibility to, 1. Last evaluated: 2024-01-11. Review status: criteria provided, single submitter. Criteria: ACMG Guidelines, 2015. Collection method: clinical testing. Allele origin: germline. Inheritance: Autosomal dominant inheritance. Observed: 1 variant allele, 1 heterozygote.
Comment: This study involves interpretation of variants in research participants for the purpose of population health screening. Participant phenotype was not available at the time of variant classification. Additional details can be found in publication PMID: 35346344, PMCID: PMC8962531

Revvity Omics, Revvity
Classification: Uncertain significance. Last evaluated: 2022-09-26. Review status: criteria provided, single submitter. Criteria: ACMG Guidelines, 2015. Collection method: clinical testing. Allele origin: germline.

Labcorp Genetics (formerly Invitae), Labcorp
Classification: Uncertain significance for RYR1-related disorder. Last evaluated: 2022-06-30. Review status: criteria provided, single submitter. Criteria: Invitae Variant Classification Sherloc (09022015). Collection method: clinical testing. Allele origin: germline.
Comment: In summary, the available evidence is currently insufficient to determine the role of this variant in disease. Therefore, it has been classified as a Variant of Uncertain Significance. Advanced modeling of protein sequence and biophysical properties (such as structural, functional, and spatial information, amino acid conservation, physicochemical variation, residue mobility, and thermodynamic stability) performed at Invitae indicates that this missense variant is not expected to disrupt RYR1 protein function. This variant has not been reported in the literature in individuals affected with RYR1-related conditions. This variant is not present in population databases (gnomAD no frequency). This sequence change replaces alanine, which is neutral and non-polar, with threonine, which is neutral and polar, at codon 4248 of the RYR1 protein (p.Ala4248Thr).

NM_000540.3(RYR1):c.12742G>A (p.Ala4248Thr)

Gene: RYR1 (ryanodine receptor 1; plus strand). Cytogenetic location: 19q13.2.
Variant type: single nucleotide variant.
Coding change: c.12742G>A on transcript NM_000540.3 (MANE Select); coding-DNA position 12742, G replaced by A.
Protein change: p.Ala4248Thr; replaces alanine 4248 with threonine.
Molecular consequence: missense variant.
Genome position (GRCh38, 1-based): chr19:38,565,076, G>A. VCF-style: chr19-38565076-G-A. GRCh37 (hg19) VCF-style: chr19-39055716-G-A.
Other names: c.12727G>A, p.Ala4243Thr (NM_001042723.2); short protein forms A4243T, A4248T.
Identifiers: ClinVar variation 2416865 (VCV002416865.12), dbSNP rs1973327407, ClinGen allele CA405671054.